The following is an entry in ClinVar:

ClinVar aggregate classification (germline): Uncertain significance (1 of 4 stars; one submission).

Allele frequency attached by ClinVar (database versions not stated): gnomAD exomes 0.00005; TOPMed 0.00006; gnomAD 0.00009; ExAC 0.00012; 1000 Genomes Project 30x 0.00016; 1000 Genomes Project 0.00020; ESP Exome Variant Server 0.00025.
gnomAD v4.1: 86 of 1,613,592 alleles (0.0053%); highest among the groups gnomAD compares: Middle Eastern, 0.033%; no homozygotes.

Submissions (2):

Labcorp Genetics (formerly Invitae), Labcorp
Classification: Uncertain significance. Last evaluated: 2022-07-13. Review status: criteria provided, single submitter. Criteria: Invitae Variant Classification Sherloc (09022015). Collection method: clinical testing. Allele origin: germline.
Comment: This sequence change replaces alanine, which is neutral and non-polar, with valine, which is neutral and non-polar, at codon 1910 of the PCLO protein (p.Ala1910Val). This variant is present in population databases (rs375287995, gnomAD 0.02%). This variant has not been reported in the literature in individuals affected with PCLO-related conditions. Algorithms developed to predict the effect of missense changes on protein structure and function output the following: SIFT: "Deleterious"; PolyPhen-2: "Not Available"; Align-GVGD: "Class C0". The valine amino acid residue is found in multiple mammalian species, which suggests that this missense change does not adversely affect protein function. In summary, the available evidence is currently insufficient to determine the role of this variant in disease. Therefore, it has been classified as a Variant of Uncertain Significance.

Dr. Peter K. Rogan Lab, Western University
No classification provided (evidence only). Condition: Colorectal cancer. Review status: no classification provided. Collection method: in vitro. Allele origin: not applicable. Functional consequence: retained intron. Not counted in ClinVar's aggregate classification.

NM_033026.6(PCLO):c.5729C>T (p.Ala1910Val)

Gene: PCLO (piccolo presynaptic cytomatrix protein; minus strand). Cytogenetic location: 7q21.11.
Variant type: single nucleotide variant.
Coding change: c.5729C>T on transcript NM_033026.6 (MANE Select); coding-DNA position 5729, C replaced by T.
Protein change: p.Ala1910Val; replaces alanine 1910 with valine.
Molecular consequence: missense variant.
Genome position (GRCh38, 1-based): chr7:82,955,224, G>A on the plus strand (C>T on the coding strand, the complement: PCLO is on the minus strand). VCF-style: chr7-82955224-G-A. GRCh37 (hg19) VCF-style: chr7-82584540-G-A.
Other names: c.5729C>T, p.Ala1910Val (NM_014510.3); short protein forms A1910V.
Identifiers: ClinVar variation 1896414 (VCV001896414.3), dbSNP rs375287995, ClinGen allele CA4320595.